The following is an entry in ClinVar:

ClinVar aggregate classification (germline): Uncertain significance (1 of 4 stars; one submission).

Submission:

Ambry Genetics
Classification: Uncertain significance. Last evaluated: 2025-09-19. Review status: criteria provided, single submitter. Criteria: Ambry Variant Classification Scheme 2023. Collection method: clinical testing. Allele origin: germline.
Comment: The p.R412Q variant (also known as c.1235G>A), located in coding exon 6 of the GFI1 gene, results from a G to A substitution at nucleotide position 1235. The arginine at codon 412 is replaced by glutamine, an amino acid with highly similar properties. This amino acid position is conserved. In addition, this alteration is predicted to be tolerated by in silico analysis. Based on the available evidence, the clinical significance of this variant remains unclear.

NM_005263.5(GFI1):c.1235G>A (p.Arg412Gln)

Gene: GFI1 (growth factor independent 1 transcriptional repressor; minus strand). Cytogenetic location: 1p22.1.
Variant type: single nucleotide variant.
Coding change: c.1235G>A on transcript NM_005263.5 (MANE Select); coding-DNA position 1235, G replaced by A.
Protein change: p.Arg412Gln; replaces arginine 412 with glutamine.
Molecular consequence: missense variant.
Genome position (GRCh38, 1-based): chr1:92,476,063, C>T on the plus strand (G>A on the coding strand, the complement: GFI1 is on the minus strand). VCF-style: chr1-92476063-C-T. GRCh37 (hg19) VCF-style: chr1-92941620-C-T.
Other names: c.1235G>A, p.Arg412Gln (NM_001127215.3, NM_001127216.3); short protein forms R412Q.
Identifiers: ClinVar variation 4671556 (VCV004671556.1).